The following is an entry in ClinVar:

ClinVar aggregate classification (germline): Conflicting classifications of pathogenicity. Review status: criteria provided, conflicting classifications (1 of 4 stars). 2 submissions from 2 submitters: Uncertain significance (1); Likely benign (1). Last evaluated 2025-08-28.

Submissions (2):

Ambry Genetics
Classification: Uncertain significance. Last evaluated: 2025-08-28. Review status: criteria provided, single submitter. Criteria: Ambry Variant Classification Scheme 2023. Collection method: clinical testing. Allele origin: germline.

CeGaT Center for Human Genetics Tuebingen
Classification: Likely benign. Last evaluated: 2022-12-01. Review status: criteria provided, single submitter. Criteria: CeGaT Center For Human Genetics Tuebingen Variant Classification Criteria Version 2. Collection method: clinical testing. Allele origin: germline. Affected: yes. Observed: 1 variant allele.
Comment: ARHGEF35-AS1: BS2; OR2A42: BP4, BS2

NM_001001802.3(OR2A42):c.202G>A (p.Val68Ile)

Genes: ARHGEF35-AS1 (ARHGEF35 antisense RNA 1; plus strand), OR2A42 (olfactory receptor family 2 subfamily A member 42; minus strand). Cytogenetic location: 7q35.
Variant type: single nucleotide variant.
Coding change: c.202G>A on transcript NM_001001802.3 (MANE Select); coding-DNA position 202, G replaced by A.
Protein change: p.Val68Ile; replaces valine 68 with isoleucine.
Molecular consequence: missense variant.
Genome position (GRCh38, 1-based): chr7:144,232,642, C>T on the plus strand (G>A on the coding strand, the complement: OR2A42 is on the minus strand). VCF-style: chr7-144232642-C-T. GRCh37 (hg19) VCF-style: chr7-143929735-C-T.
Other names: c.202G>A (NM_001001802.2); short protein forms V68I.
Identifiers: ClinVar variation 2658124 (VCV002658124.25), dbSNP rs776548474, ClinGen allele CA4543403.
Genomic context (GRCh38, chr7:144,232,642, plus strand): 5'-CTGGATGCAGGAGGTTCGCCAGCATCTGGGGCACCGTGTTGCGGGTGTAGGCGATGTCGA[C>T]GACAGCCAGGTGTGAGAGGAAGAAGTACATGGGGGTGTGGAGTCTGGAGTCCAGTGAGAT-3'
Protein context (NP_001001802.2, residues 58-78): MYFFLSHLAV[Val68Ile]DIAYTRNTVP